The following is an entry in ClinVar:

NM_000138.5(FBN1):c.6662G>C (p.Cys2221Ser)

Gene: FBN1 (fibrillin 1; minus strand). Cytogenetic location: 15q21.1.
Variant type: single nucleotide variant.
Coding change: c.6662G>C on transcript NM_000138.5 (MANE Select); coding-DNA position 6662, G replaced by C.
Protein change: p.Cys2221Ser; replaces cysteine 2221 with serine.
Molecular consequence: missense variant.
Genome position (GRCh38, 1-based): chr15:48,432,943, C>G on the plus strand (G>C on the coding strand, the complement: FBN1 is on the minus strand). VCF-style: chr15-48432943-C-G. GRCh37 (hg19) VCF-style: chr15-48725140-C-G.
Other names: short protein forms C2221S.
Identifiers: ClinVar variation 16427 (VCV000016427.4), dbSNP rs137854460, ClinGen allele CA016633.

ClinVar aggregate classification (germline): Pathogenic. Review status: criteria provided, single submitter (1 of 4 stars). 2 submissions from 2 submitters: Pathogenic (1). 1 of the submissions does not count toward it. Last evaluated 2026-01-27.

Conditions:
Familial thoracic aortic aneurysm and aortic dissection (TAAD). Also called: Thoracic aortic aneurysms and dissections. Identifiers: Orphanet 91387, MedGen C4707243, MONDO:0019625.
Marfan syndrome (MFS). Also called: FBN1-Related Marfan Syndrome; Marfan syndrome type 1; Marfan's syndrome; Marfan syndrome, classic; MARFAN SYNDROME, TYPE I. Identifiers: Orphanet 284963, Orphanet 558, MedGen C0024796, MONDO:0007947, OMIM 154700.

Submissions (2):

Labcorp Genetics (formerly Invitae), Labcorp
Classification: Pathogenic for Marfan syndrome; Familial thoracic aortic aneurysm and aortic dissection. Last evaluated: 2026-01-27. Review status: criteria provided, single submitter. Criteria: Invitae Variant Classification Sherloc (09022015). Collection method: clinical testing. Allele origin: germline.
Comment: This sequence change replaces cysteine, which is neutral and slightly polar, with serine, which is neutral and polar, at codon 2221 of the FBN1 protein (p.Cys2221Ser). This variant is not present in population databases (gnomAD no frequency). This missense change has been observed in individual(s) with Marfan syndrome (PMID: 1301946). This variant is also known as C1323S. ClinVar contains an entry for this variant (Variation ID: 16427). Invitae Evidence Modeling of protein sequence and biophysical properties (such as structural, functional, and spatial information, amino acid conservation, physicochemical variation, residue mobility, and thermodynamic stability) indicates that this missense variant is expected to disrupt FBN1 protein function with a positive predictive value of 95%. This variant affects a cysteine residue in the EGF-like, TGFBP or hybrid motif domains of FBN1. Cysteine residues are believed to be involved in intramolecular disulfide bridges and have been shown to be important for FBN1 protein structure (PMID: 16905551, 19349279). In addition, missense substitutions affecting cysteine residues within these domains are significantly overrepresented among patients with Marfan syndrome (PMID: 16571647, 17701892). This variant disrupts the p.Cys2221 amino acid residue in FBN1. Other variant(s) that disrupt this residue have been observed in individuals with FBN1-related conditions (PMID: 1301946, 12203992, 16222657), which suggests that this may be a clinically significant amino acid residue. For these reasons, this variant has been classified as Pathogenic.

OMIM
Classification: Pathogenic for MARFAN SYNDROME. Last evaluated: 2023-08-11. Review status: no assertion criteria provided. Collection method: literature only. Allele origin: germline. Not counted in ClinVar's aggregate classification.

Literature cited by the submitters: PubMed 1301946 (cited by Labcorp Genetics (formerly Invitae), Labcorp); PubMed 16905551 (cited by Labcorp Genetics (formerly Invitae), Labcorp); PubMed 19349279 (cited by Labcorp Genetics (formerly Invitae), Labcorp); PubMed 16571647 (cited by Labcorp Genetics (formerly Invitae), Labcorp); PubMed 17701892 (cited by Labcorp Genetics (formerly Invitae), Labcorp); PubMed 12203992 (cited by Labcorp Genetics (formerly Invitae), Labcorp); PubMed 16222657 (cited by Labcorp Genetics (formerly Invitae), Labcorp); Dietz, H. C., Sood, I., McIntosh, I. The phenotypic continuum associated with FBN1 mutations includes the Shprintzen-Goldberg syndrome. (Abstract) Am. J. Hum. Genet. 57: A211, 1995. (cited by OMIM).